The following is an entry in ClinVar:

ClinVar aggregate classification (germline): Uncertain significance (1 of 4 stars; one submission).

Conditions:
PKHD1-related disorder. Also called: PKHD1-related condition.

gnomAD v4.1: 5 of 1,614,186 alleles (0.00031%); highest among the groups gnomAD compares: African/African-American, 0.0053%; no homozygotes.

Submission:

PreventionGenetics, part of Exact Sciences
Classification: Uncertain significance for PKHD1-related condition. Last evaluated: 2025-06-17. Review status: criteria provided, single submitter. Criteria: ACMG Guidelines, 2015. Collection method: clinical testing. Allele origin: germline.
Comment: The PKHD1 c.4709A>G variant is predicted to result in the amino acid substitution p.Tyr1570Cys. To our knowledge, this variant has not been reported in the literature. An alternate missense change at this amino acid position, described as c.4709A>C (p.Tyr1570Ser), has been reported in the compound heterozygous state in individuals with autosomal recessive polycystic kidney disease (Burgmaier et al. 2021. PubMed ID: 33940108). This variant is reported in 0.018% of alleles in individuals of African descent in gnomAD. At this time, the clinical significance of this variant is uncertain due to the absence of conclusive functional and genetic evidence.

NM_138694.4(PKHD1):c.4709A>G (p.Tyr1570Cys)

Genes: PKHD1 (PKHD1 ciliary IPT domain containing fibrocystin/polyductin; minus strand), LOC126859690 (MED14-independent group 3 enhancer GRCh37_chr6:51888848-51890047; plus strand). Cytogenetic location: 6p12.2.
Variant type: single nucleotide variant.
Coding change: c.4709A>G on transcript NM_138694.4 (MANE Select); coding-DNA position 4709, A replaced by G.
Protein change: p.Tyr1570Cys; replaces tyrosine 1570 with cysteine.
Molecular consequence: missense variant.
Genome position (GRCh38, 1-based): chr6:52,025,101, T>C on the plus strand (A>G on the coding strand, the complement: PKHD1 is on the minus strand). VCF-style: chr6-52025101-T-C. GRCh37 (hg19) VCF-style: chr6-51889899-T-C.
Other names: c.4709A>G, p.Tyr1570Cys (NM_170724.3); short protein forms Y1570C.
Identifiers: ClinVar variation 4989745 (VCV004989745.1).